The following is an entry in ClinVar:

NM_000169.3(GLA):c.714T>G (p.Ser238Arg)

Genes: GLA (galactosidase alpha; minus strand), RPL36A-HNRNPH2 (RPL36A-HNRNPH2 readthrough; plus strand). Cytogenetic location: Xq22.1.
Variant type: single nucleotide variant.
Coding change: c.714T>G on transcript NM_000169.3 (MANE Select); coding-DNA position 714, T replaced by G.
Protein change: p.Ser238Arg; replaces serine 238 with arginine.
Molecular consequence: missense variant. On other transcripts: non-coding transcript variant (3), intron variant (2).
Genome position (GRCh38, 1-based): chrX:101,398,872, A>C on the plus strand (T>G on the coding strand, the complement: GLA is on the minus strand). VCF-style: chrX-101398872-A-C. GRCh37 (hg19) VCF-style: chrX-100653860-A-C.
Other names: c.837T>G, p.Ser279Arg (NM_001406747.1); c.714T>G, p.Ser238Arg (NM_001406748.1); c.300+3415A>C (NM_001199973.2); c.177+7050A>C (NM_001199974.2); short protein forms S238R, S279R.
Identifiers: ClinVar variation 4087478 (VCV004087478.2).
Genomic context (GRCh38, chrX:101,398,872, plus strand): 5'-TCCAGCAACATCAACAATTCTCTCCTGGTTAAAAGATGTCCAGTCCAAGATACTCTTTAT[A>C]CTTTTCCAGGAATCATCAATGTCAGCAAAATTTCGCCAGTGATTGCAGTACTGTCGGATT-3'
Protein context (NP_000160.1, residues 228-248): NFADIDDSWK[Ser238Arg]IKSILDWTSF

ClinVar aggregate classification (germline): Uncertain significance (1 of 4 stars; one submission).

Conditions:
Fabry disease. Also called: ALPHA-GALACTOSIDASE A DEFICIENCY; ANDERSON-FABRY DISEASE; CERAMIDE TRIHEXOSIDASE DEFICIENCY; GLA DEFICIENCY; HEREDITARY DYSTOPIC LIPIDOSIS; Angiokeratoma corporis diffusum. Identifiers: Orphanet 324, MedGen C0002986, MONDO:0010526, OMIM 301500, HP:0001071. Disease mechanism: Fabry disease is due to inactivating mutations in the X-linked GLA gene resulting in deficiency of the enzyme Alpha Galactosidase-A., loss of function.

Submission:

Genomenon, Inc
Classification: Uncertain significance for Fabry disease. Last evaluated: 2026-09-08. Review status: criteria provided, single submitter. Criteria: Genomenon Sequence Variant Interpretation Standards - Updated. Collection method: curation. Allele origin: germline. Affected: no.
Comment: GLA p.Ser238Arg (c.714T>G) is a missense variant that changes the amino acid at codon 238 from Serine to Arginine. This variant has been reported in the published literature (PMID:27657681). The presence of pathogenic/likely pathogenic missense variant(s) at the same amino acid position indicates that this residue is likely important for protein function. It is absent or not present at a significant frequency in gnomAD. In silico models predict that this variant is possibly or probably damaging. In conclusion, we classify GLA p.Ser238Arg (c.714T>G) as a variant of uncertain significance.

Literature cited by the submitters: PubMed 27657681.